The following is an entry in ClinVar:

ClinVar aggregate classification (germline): Uncertain significance. Review status: criteria provided, multiple submitters, no conflicts (2 of 4 stars). 3 submissions from 3 submitters: Uncertain significance (3). Last evaluated 2024-05-06.

Conditions:
Dilated cardiomyopathy 1JJ (CMD1JJ). Identifiers: Orphanet 154, MedGen C3808935, MONDO:0014095, OMIM 615235.
Cardiovascular phenotype. Identifiers: MedGen CN230736.

Allele frequency attached by ClinVar (database versions not stated): gnomAD exomes 0.00001; ExAC 0.00002; gnomAD 0.00003; ESP Exome Variant Server 0.00008.
gnomAD v4.1: 7 of 1,614,020 alleles (0.00043%); highest among the groups gnomAD compares: African/African-American, 0.008%; no homozygotes.

Submissions (3):

Ambry Genetics
Classification: Uncertain significance for Cardiovascular phenotype. Last evaluated: 2024-05-06. Review status: criteria provided, single submitter. Criteria: Ambry Variant Classification Scheme 2023. Collection method: clinical testing. Allele origin: germline.

Fulgent Genetics
Classification: Uncertain significance for Dilated cardiomyopathy 1JJ. Last evaluated: 2021-12-28. Review status: criteria provided, single submitter. Criteria: ACMG Guidelines, 2015. Collection method: clinical testing. Allele origin: unknown.

Labcorp Genetics (formerly Invitae), Labcorp
Classification: Uncertain significance for Dilated cardiomyopathy 1JJ. Last evaluated: 2021-01-08. Review status: criteria provided, single submitter. Criteria: Invitae Variant Classification Sherloc (09022015). Collection method: clinical testing. Allele origin: germline.
Comment: In summary, the available evidence is currently insufficient to determine the role of this variant in disease. Therefore, it has been classified as a Variant of Uncertain Significance. Algorithms developed to predict the effect of missense changes on protein structure and function (SIFT, PolyPhen-2, Align-GVGD) all suggest that this variant is likely to be disruptive, but these predictions have not been confirmed by published functional studies and their clinical significance is uncertain. This variant has not been reported in the literature in individuals with LAMA4-related conditions. This variant is present in population databases (rs371253565, ExAC 0.02%). This sequence change replaces aspartic acid with histidine at codon 872 of the LAMA4 protein (p.Asp872His). The aspartic acid residue is highly conserved and there is a moderate physicochemical difference between aspartic acid and histidine.

NM_001105206.3(LAMA4):c.2635G>C (p.Asp879His)

Gene: LAMA4 (laminin subunit alpha 4; minus strand). Cytogenetic location: 6q21.
Variant type: single nucleotide variant.
Coding change: c.2635G>C on transcript NM_001105206.3 (MANE Select); coding-DNA position 2635, G replaced by C.
Protein change: p.Asp879His; replaces aspartic acid 879 with histidine.
Molecular consequence: missense variant.
Genome position (GRCh38, 1-based): chr6:112,142,151, C>G on the plus strand (G>C on the coding strand, the complement: LAMA4 is on the minus strand). VCF-style: chr6-112142151-C-G. GRCh37 (hg19) VCF-style: chr6-112463353-C-G.
Other names: c.2614G>C (NM_002290.3); c.2614G>C, p.Asp872His (NM_001105207.3, NM_002290.5); short protein forms D879H, D872H.
Identifiers: ClinVar variation 1404490 (VCV001404490.10), dbSNP rs371253565, ClinGen allele CA3965425.